The following is an entry in ClinVar:

NM_001165963.4(SCN1A):c.3721_3723delinsCAC (p.Tyr1241His)

Genes: SCN1A (sodium voltage-gated channel alpha subunit 1; minus strand), LOC102724058 (uncharacterized LOC102724058; plus strand). Cytogenetic location: 2q24.3.
Variant type: Indel.
Coding change: c.3721_3723delinsCAC on transcript NM_001165963.4 (MANE Select); coding-DNA positions 3721 to 3723, TAT replaced by CAC.
Protein change: p.Tyr1241His; replaces tyrosine 1241 with histidine.
Molecular consequence: missense variant. On other transcripts: non-coding transcript variant (1).
Genome position (GRCh38, 1-based): chr2:166,012,265-166,012,267, ATA replaced by GTG on the plus strand (TAT replaced by CAC on the coding strand, the reverse complement: SCN1A is on the minus strand). VCF-style: chr2-166012265-ATA-GTG. GRCh37 (hg19) VCF-style: chr2-166868775-ATA-GTG.
Other names: c.3637_3639delinsCAC, p.Tyr1213His (NM_001165964.3, NM_001353957.2, NM_001353958.2); c.3721_3723delinsCAC, p.Tyr1241His (NM_001202435.3, NM_001353948.2); c.3688_3690delinsCAC, p.Tyr1230His (NM_001353949.2, NM_001353950.2, NM_001353951.2 and 2 more transcripts); c.3685_3687delinsCAC, p.Tyr1229His (NM_001353954.2, NM_001353955.2); c.3634_3636delinsCAC, p.Tyr1212His (NM_001353960.2); c.1279_1281delinsCAC, p.Tyr427His (NM_001353961.2); short protein forms Y427H, Y1229H, Y1230H, Y1241H, Y1212H, Y1213H.
Identifiers: ClinVar variation 4088099 (VCV004088099.2).
Genomic context (GRCh38, chr2:166,012,265, plus strand): 5'-GTAAGTGAAAACCTTGTCAGCATATTCCAACATCGTCTTAATCGTCTTTCGCTGATCAAT[ATA>GTG]TATATCTTCAAATGCCTATAAAGAAAATGTTACACATTATTAGCTTTCAAAAATAATTAT-3'
Protein context (NP_001159435.1, residues 1231-1251): SSGALAFEDI[Tyr1241His]IDQRKTIKTM

ClinVar aggregate classification (germline): Uncertain significance (1 of 4 stars; one submission).

Conditions:
SCN1A-related disorder. Also called: SCN1A-related conditions; SCN1A-related condition; SCN1A-related disorders.

Submission:

GeneDx
Classification: Uncertain significance. Last evaluated: 2026-04-16. Review status: criteria provided, single submitter. Criteria: GeneDx Variant Classification Process June 2021. Collection method: clinical testing. Allele origin: germline.
Comment: Not observed at significant frequency in large population cohorts (gnomAD); In silico analysis supports a deleterious effect on protein structure/function; Has not been previously published as pathogenic or benign to our knowledge; This substitution is predicted to be within the extracellular loop between the S1 and S2 transmembrane segments of the third homologous domain